The following is an entry in ClinVar:

ClinVar aggregate classification (germline): Likely pathogenic (1 of 4 stars; one submission).

Submission:

Labcorp Genetics (formerly Invitae), Labcorp
Classification: Likely pathogenic. Last evaluated: 2023-08-04. Review status: criteria provided, single submitter. Criteria: Invitae Variant Classification Sherloc (09022015). Collection method: clinical testing. Allele origin: germline.
Comment: In summary, the currently available evidence indicates that the variant is pathogenic, but additional data are needed to prove that conclusively. Therefore, this variant has been classified as Likely Pathogenic. Algorithms developed to predict the effect of sequence changes on RNA splicing suggest that this variant may disrupt the consensus splice site. ClinVar contains an entry for this variant (Variation ID: 1961663). This variant has not been reported in the literature in individuals affected with IMPG1-related conditions. This variant is not present in population databases (gnomAD no frequency). This sequence change affects an acceptor splice site in intron 1 of the IMPG1 gene. It is expected to disrupt RNA splicing. Variants that disrupt the donor or acceptor splice site typically lead to a loss of protein function (PMID: 16199547), and loss-of-function variants in IMPG1 are known to be pathogenic (PMID: 23993198).

Literature cited by the submitters: PubMed 16199547; PubMed 23993198.

NM_001563.4(IMPG1):c.68-1G>C

Gene: IMPG1 (interphotoreceptor matrix proteoglycan 1; minus strand). Cytogenetic location: 6q14.1.
Variant type: single nucleotide variant.
Coding change: c.68-1G>C on transcript NM_001563.4 (MANE Select); the canonical splice acceptor site of the intron before coding-DNA position 68, G replaced by C.
Molecular consequence: splice acceptor variant. On other transcripts: intron variant (1).
Genome position (GRCh38, 1-based): chr6:76,042,127, C>G on the plus strand (G>C on the coding strand, the complement: IMPG1 is on the minus strand). VCF-style: chr6-76042127-C-G. GRCh37 (hg19) VCF-style: chr6-76751844-C-G.
Other names: c.68-7340G>C (NM_001282368.2).
Identifiers: ClinVar variation 1961663 (VCV001961663.5), dbSNP rs2481539365, ClinGen allele CA364830047.
Genomic context (GRCh38, chr6:76,042,127, plus strand): 5'-CATTTCTTGGGGGATTGTCTATGTCTTTAGTTTCAGAATGGTATATGTTAATGGAGATAT[C>G]TGTAAAAGAAAGATTGATATCCTGGTGAATATATACATTTATGTGTTATATGTGACATAT-3'